The following is an entry in ClinVar:

NM_025074.7(FRAS1):c.6565_6574del (p.Phe2189fs)

Gene: FRAS1 (Fraser extracellular matrix complex subunit 1; plus strand). Cytogenetic location: 4q21.21.
Variant type: Deletion.
Coding change: c.6565_6574del on transcript NM_025074.7 (MANE Select); coding-DNA positions 6565 to 6574, 10 bases deleted (TTTTCCATCA; older notation c.6565_6574delTTTTCCATCA).
Protein change: p.Phe2189fs; shifts the reading frame from phenylalanine 2189.
Molecular consequence: frameshift variant.
Genome position (GRCh38, 1-based): chr4:78,451,873-78,451,882, TTTTCCATCA deleted; deleting any 10 consecutive bases within chr4:78,451,870-78,451,882 gives the same sequence; the c. name uses the placement nearest the transcript's 3' end. VCF-style (leftmost placement, unchanged base first): chr4-78451869-GTCATTTTCCA-G. GRCh37 (hg19) VCF-style: chr4-79373023-GTCATTTTCCA-G.
Other names: short protein forms F2189fs.
Identifiers: ClinVar variation 2858222 (VCV002858222.3), dbSNP rs773388117, ClinGen allele CA2977820.
Genomic context (GRCh38, chr4:78,451,869, plus strand): 5'-AGGGAGCTTTGCTTTTAAATTTGATGTGGTTGATGGAGAAGGCAACAGATTGATTGACAA[GTCATTTTCCA>G]TCAGCATTCTAGGTAAAGAGACATTTGATTTTCTAATATAAAACTATTTTAGCAGTTCTG-3'

ClinVar aggregate classification (germline): Pathogenic (1 of 4 stars; one submission).

Submission:

Labcorp Genetics (formerly Invitae), Labcorp
Classification: Pathogenic. Last evaluated: 2024-02-14. Review status: criteria provided, single submitter. Criteria: Invitae Variant Classification Sherloc (09022015). Collection method: clinical testing. Allele origin: germline.
Comment: This sequence change creates a premature translational stop signal (p.Phe2189Alafs*3) in the FRAS1 gene. It is expected to result in an absent or disrupted protein product. Loss-of-function variants in FRAS1 are known to be pathogenic (PMID: 12766769, 18671281). This variant is present in population databases (rs773388117, gnomAD 0.002%). This variant has not been reported in the literature in individuals affected with FRAS1-related conditions. For these reasons, this variant has been classified as Pathogenic.

Literature cited by the submitters: PubMed 12766769; PubMed 18671281.